The following is an entry in ClinVar:

ClinVar aggregate classification (germline): Uncertain significance. Review status: criteria provided, multiple submitters, no conflicts (2 of 4 stars). 4 submissions from 4 submitters: Uncertain significance (3). 1 of the submissions does not count toward it. Last evaluated 2023-04-11.

Conditions:
Inborn genetic diseases. Identifiers: MedGen C0950123, MeSH D030342.
Hereditary insensitivity to pain with anhidrosis (CIPA). Also called: hereditary sensory and autonomic neuropathy type 4; FAMILIAL DYSAUTONOMIA, TYPE II; HSAN Type IV; INSENSITIVITY TO PAIN, CONGENITAL, WITH ANHIDROSIS; NTRK1 Congenital Insensitivity to Pain with Anhidrosis; NEUROPATHY, CONGENITAL SENSORY, WITH ANHIDROSIS. Identifiers: Orphanet 642, MedGen C0020074, MONDO:0009746, OMIM 256800.

Allele frequency attached by ClinVar (database versions not stated): ExAC below 0.00001; gnomAD exomes below 0.00001 and 0.00001; TOPMed below 0.00001; gnomAD 0.00001.
gnomAD v4.1: 5 of 1,559,088 alleles (0.00032%); highest among the groups gnomAD compares: East Asian, 0.012%; no homozygotes.

Submissions (4):

Genome-Nilou Lab
Classification: Uncertain significance for Hereditary insensitivity to pain with anhidrosis. Last evaluated: 2023-04-11. Review status: criteria provided, single submitter. Criteria: ACMG Guidelines, 2015. Collection method: clinical testing. Allele origin: germline. Affected: no.

Ambry Genetics
Classification: Uncertain significance for Inborn genetic diseases. Last evaluated: 2023-03-06. Review status: criteria provided, single submitter. Criteria: Ambry Variant Classification Scheme 2023. Collection method: clinical testing. Allele origin: germline.

Labcorp Genetics (formerly Invitae), Labcorp
Classification: Uncertain significance for Hereditary insensitivity to pain with anhidrosis. Last evaluated: 2021-12-12. Review status: criteria provided, single submitter. Criteria: Invitae Variant Classification Sherloc (09022015). Collection method: clinical testing. Allele origin: germline.
Comment: This sequence change replaces lysine, which is basic and polar, with arginine, which is basic and polar, at codon 197 of the NTRK1 protein (p.Lys197Arg). This variant is present in population databases (rs753902046, gnomAD 0.02%). This variant has not been reported in the literature in individuals affected with NTRK1-related conditions. ClinVar contains an entry for this variant (Variation ID: 864529). Advanced modeling of protein sequence and biophysical properties (such as structural, functional, and spatial information, amino acid conservation, physicochemical variation, residue mobility, and thermodynamic stability) performed at Invitae indicates that this missense variant is not expected to disrupt NTRK1 protein function. In summary, the available evidence is currently insufficient to determine the role of this variant in disease. Therefore, it has been classified as a Variant of Uncertain Significance.

Natera, Inc.
Classification: Uncertain significance for Hereditary insensitivity to pain with anhidrosis. Last evaluated: 2020-04-17. Review status: no assertion criteria provided. Collection method: clinical testing. Allele origin: germline. Not counted in ClinVar's aggregate classification.

NM_002529.4(NTRK1):c.590A>G (p.Lys197Arg)

Gene: NTRK1 (neurotrophic receptor tyrosine kinase 1; plus strand). Cytogenetic location: 1q23.1.
Variant type: single nucleotide variant.
Coding change: c.590A>G on transcript NM_002529.4 (MANE Select); coding-DNA position 590, A replaced by G.
Protein change: p.Lys197Arg; replaces lysine 197 with arginine.
Molecular consequence: missense variant.
Genome position (GRCh38, 1-based): chr1:156,868,520, A>G. VCF-style: chr1-156868520-A-G. GRCh37 (hg19) VCF-style: chr1-156838312-A-G.
Other names: c.500A>G, p.Lys167Arg (NM_001007792.1); c.590A>G, p.Lys197Arg (NM_001012331.2); short protein forms K167R, K197R.
Identifiers: ClinVar variation 864529 (VCV000864529.8), dbSNP rs753902046, ClinGen allele CA1169052.